The following is an entry in ClinVar:

NM_003200.5(TCF3):c.1859G>T (p.Arg620Leu)

Gene: TCF3 (transcription factor 3; minus strand). Cytogenetic location: 19p13.3.
Variant type: single nucleotide variant.
Coding change: c.1859G>T on transcript NM_003200.5 (MANE Select); coding-DNA position 1859, G replaced by T.
Protein change: p.Arg620Leu; replaces arginine 620 with leucine.
Molecular consequence: missense variant.
Genome position (GRCh38, 1-based): chr19:1,611,813, C>A on the plus strand (G>T on the coding strand, the complement: TCF3 is on the minus strand). VCF-style: chr19-1611813-C-A. GRCh37 (hg19) VCF-style: chr19-1611812-C-A.
Other names: c.1850G>T, p.Arg617Leu (NM_001136139.4, NM_001351779.2); c.1856G>T, p.Arg619Leu (NM_001351778.2); short protein forms R619L, R617L, R620L.
Identifiers: ClinVar variation 2765243 (VCV002765243.3), dbSNP rs538013937, ClinGen allele CA403048206.

ClinVar aggregate classification (germline): Uncertain significance (1 of 4 stars; one submission).

gnomAD v4.1: 1 of 1,613,446 alleles (0.000062%); highest among the groups gnomAD compares: Non-Finnish European, 0.000085%; no homozygotes.

Submission:

Labcorp Genetics (formerly Invitae), Labcorp
Classification: Uncertain significance. Last evaluated: 2025-06-02. Review status: criteria provided, single submitter. Criteria: Invitae Variant Classification Sherloc (09022015). Collection method: clinical testing. Allele origin: germline.
Comment: This sequence change replaces arginine, which is basic and polar, with leucine, which is neutral and non-polar, at codon 620 of the TCF3 protein (p.Arg620Leu). This variant is not present in population databases (gnomAD no frequency). This variant has not been reported in the literature in individuals affected with TCF3-related conditions. ClinVar contains an entry for this variant (Variation ID: 2765243). Invitae Evidence Modeling of protein sequence and biophysical properties (such as structural, functional, and spatial information, amino acid conservation, physicochemical variation, residue mobility, and thermodynamic stability) indicates that this missense variant is expected to disrupt TCF3 protein function with a positive predictive value of 80%. In summary, the available evidence is currently insufficient to determine the role of this variant in disease. Therefore, it has been classified as a Variant of Uncertain Significance.